The following is an entry in ClinVar:

NM_020247.5(COQ8A):c.785G>A (p.Arg262Gln)

Gene: COQ8A (coenzyme Q8A; plus strand). Cytogenetic location: 1q42.13.
Variant type: single nucleotide variant.
Coding change: c.785G>A on transcript NM_020247.5 (MANE Select); coding-DNA position 785, G replaced by A.
Protein change: p.Arg262Gln; replaces arginine 262 with glutamine.
Molecular consequence: missense variant.
Genome position (GRCh38, 1-based): chr1:226,982,081, G>A. VCF-style: chr1-226982081-G-A. GRCh37 (hg19) VCF-style: chr1-227169782-G-A.
Other names: short protein forms R262Q.
Identifiers: ClinVar variation 1448628 (VCV001448628.5), dbSNP rs145422777, ClinGen allele CA1425152.

ClinVar aggregate classification (germline): Conflicting classifications of pathogenicity. Review status: criteria provided, conflicting classifications (1 of 4 stars). 3 submissions from 3 submitters: Likely pathogenic (1); Uncertain significance (2). Last evaluated 2025-02-24.

Conditions:
ADCK3 & COQ8A-related disorders.
Autosomal recessive ataxia due to ubiquinone deficiency. Also called: Coenzyme Q10 deficiency, primary, 4; SPINOCEREBELLAR ATAXIA, AUTOSOMAL RECESSIVE 9. Identifiers: Orphanet 139485, MedGen C2677589, MONDO:0012784, OMIM 612016.

Allele frequency attached by ClinVar (database versions not stated): gnomAD exomes 0.00001 and 0.00002; ExAC 0.00002; gnomAD 0.00003 and 0.00004; TOPMed 0.00004; ESP Exome Variant Server 0.00008.
gnomAD v4.1: 31 of 1,612,594 alleles (0.0019%); highest among the groups gnomAD compares: African/African-American, 0.004%; no homozygotes.

Submissions (3):

Labcorp Genetics (formerly Invitae), Labcorp
Classification: Uncertain significance. Last evaluated: 2025-02-24. Review status: criteria provided, single submitter. Criteria: Invitae Variant Classification Sherloc (09022015). Collection method: clinical testing. Allele origin: germline.
Comment: This sequence change replaces arginine, which is basic and polar, with glutamine, which is neutral and polar, at codon 262 of the COQ8A protein (p.Arg262Gln). This variant is present in population databases (rs145422777, gnomAD 0.004%). This variant has not been reported in the literature in individuals affected with COQ8A-related conditions. ClinVar contains an entry for this variant (Variation ID: 1448628). Invitae Evidence Modeling of protein sequence and biophysical properties (such as structural, functional, and spatial information, amino acid conservation, physicochemical variation, residue mobility, and thermodynamic stability) has been performed for this missense variant. However, the output from this modeling did not meet the statistical confidence thresholds required to predict the impact of this variant on COQ8A protein function. In summary, the available evidence is currently insufficient to determine the role of this variant in disease. Therefore, it has been classified as a Variant of Uncertain Significance.

Blueprint Genetics
Classification: Likely pathogenic for ADCK3 & COQ8A-related disorders. Last evaluated: 2024-07-31. Review status: criteria provided, single submitter. Criteria: ACMG Guidelines, 2015. Collection method: clinical testing. Allele origin: germline. Affected: yes. Observed: 5 variant alleles.

Baylor Genetics
Classification: Uncertain significance for Autosomal recessive ataxia due to ubiquinone deficiency. Last evaluated: 2023-01-19. Review status: criteria provided, single submitter. Criteria: ACMG Guidelines, 2015. Collection method: clinical testing. Allele origin: unknown.